The following is an entry in ClinVar:

ClinVar aggregate classification (germline): Pathogenic (1 of 4 stars; one submission).

Conditions:
Hereditary cancer-predisposing syndrome. Also called: Hereditary Cancer Syndrome; Neoplastic Syndromes, Hereditary; Tumor predisposition; Hereditary neoplastic syndrome. Identifiers: Orphanet 140162, MedGen C0027672, MeSH D009386, MONDO:0015356.

Submission:

Ambry Genetics
Classification: Pathogenic for Hereditary cancer-predisposing syndrome. Last evaluated: 2021-04-05. Review status: criteria provided, single submitter. Criteria: Ambry Variant Classification Scheme 2023. Collection method: clinical testing. Allele origin: germline.
Comment: The c.4856delA pathogenic mutation, located in coding exon 10 of the BRCA2 gene, results from a deletion of one nucleotide at nucleotide position 4856, causing a translational frameshift with a predicted alternate stop codon (p.N1619Ifs*17). This alteration is expected to result in loss of function by premature protein truncation or nonsense-mediated mRNA decay. As such, this alteration is interpreted as a disease-causing mutation.

NM_000059.4(BRCA2):c.4856del (p.Asn1619fs)

Gene: BRCA2 (BRCA2 DNA repair associated; plus strand). Cytogenetic location: 13q13.1.
Variant type: Deletion.
Coding change: c.4856del on transcript NM_000059.4 (MANE Select); coding-DNA position 4856, one base deleted (A; older notation c.4856delA).
Protein change: p.Asn1619fs; shifts the reading frame from asparagine 1619.
Molecular consequence: frameshift variant.
Genome position (GRCh38, 1-based): chr13:32,339,211, A deleted; the last of 2 consecutive A bases (chr13:32,339,210-32,339,211); deleting either gives the same sequence. VCF-style (leftmost placement, unchanged base first): chr13-32339209-TA-T. GRCh37 (hg19) VCF-style: chr13-32913346-TA-T.
Other names: c.4856delA, p.Asn1619Ilefs (NM_001406719.1, NM_001406720.1); short protein forms N1619fs.
Identifiers: ClinVar variation 1743595 (VCV001743595.2), dbSNP rs2548529450, ClinGen allele CA2580087314.
Genomic context (GRCh38, chr13:32,339,209, plus strand): 5'-CAATAATGATAAAAACCTTGTTTCTATTGAGACTGTGGTGCCACCTAAGCTCTTAAGTGA[TA>T]ATTTATGTAGACAAACTGAAAATCTCAAAACATCAAAAAGTATCTTTTTGAAAGTTAAAG-3'